The following is an entry in ClinVar:

ClinVar aggregate classification (germline): Uncertain significance. Review status: criteria provided, multiple submitters, no conflicts (2 of 4 stars). 2 submissions from 2 submitters: Uncertain significance (2). Last evaluated 2026-04-04.

Conditions:
Hereditary cancer-predisposing syndrome. Also called: Tumor predisposition; Hereditary neoplastic syndrome; Neoplastic Syndromes, Hereditary; Hereditary Cancer Syndrome. Identifiers: Orphanet 140162, MedGen C0027672, MeSH D009386, MONDO:0015356.

Allele frequency attached by ClinVar (database versions not stated): ExAC 0.00001; gnomAD exomes below 0.00001.
gnomAD v4.1: 1 of 1,610,104 alleles (0.000062%); highest among the groups gnomAD compares: Non-Finnish European, 0.000085%; no homozygotes.

Submissions (2):

Ambry Genetics
Classification: Uncertain significance for Hereditary cancer-predisposing syndrome. Last evaluated: 2026-04-04. Review status: criteria provided, single submitter. Criteria: Ambry Variant Classification Scheme 2023. Collection method: clinical testing. Allele origin: germline.
Comment: The p.T645I variant (also known as c.1934C>T), located in coding exon 13 of the CTNNA1 gene, results from a C to T substitution at nucleotide position 1934. The threonine at codon 645 is replaced by isoleucine, an amino acid with similar properties. This amino acid position is conserved. In addition, this alteration is predicted to be tolerated by in silico analysis. Based on the available evidence, the clinical significance of this variant remains unclear.

Labcorp Genetics (formerly Invitae), Labcorp
Classification: Uncertain significance. Last evaluated: 2023-02-10. Review status: criteria provided, single submitter. Criteria: Invitae Variant Classification Sherloc (09022015). Collection method: clinical testing. Allele origin: germline.
Comment: This variant is present in population databases (rs748048489, gnomAD 0.0009%). This sequence change replaces threonine, which is neutral and polar, with isoleucine, which is neutral and non-polar, at codon 645 of the CTNNA1 protein (p.Thr645Ile). This variant has not been reported in the literature in individuals affected with CTNNA1-related conditions. In summary, the available evidence is currently insufficient to determine the role of this variant in disease. Therefore, it has been classified as a Variant of Uncertain Significance. Algorithms developed to predict the effect of missense changes on protein structure and function are either unavailable or do not agree on the potential impact of this missense change (SIFT: "Deleterious"; PolyPhen-2: "Benign"; Align-GVGD: "Class C0").

NM_001903.5(CTNNA1):c.1934C>T (p.Thr645Ile)

Gene: CTNNA1 (catenin alpha 1; plus strand). Cytogenetic location: 5q31.2.
Variant type: single nucleotide variant.
Coding change: c.1934C>T on transcript NM_001903.5 (MANE Select); coding-DNA position 1934, C replaced by T.
Protein change: p.Thr645Ile; replaces threonine 645 with isoleucine.
Molecular consequence: missense variant.
Genome position (GRCh38, 1-based): chr5:138,929,280, C>T. VCF-style: chr5-138929280-C-T. GRCh37 (hg19) VCF-style: chr5-138264969-C-T.
Other names: c.1934C>T (NM_001903.2); c.1934C>T, p.Thr645Ile (NM_001290307.3, NM_001323982.2, NM_001323983.1 and 2 more transcripts); c.1625C>T, p.Thr542Ile (NM_001290309.3); c.1565C>T, p.Thr522Ile (NM_001290310.3); c.824C>T, p.Thr275Ile (NM_001290312.1, NM_001323987.1, NM_001323988.1 and 17 more transcripts); c.1841C>T, p.Thr614Ile (NM_001323986.2); c.485C>T, p.Thr162Ile (NM_001324006.1, NM_001324007.1, NM_001324008.1 and 2 more transcripts); c.731C>T, p.Thr244Ile (NM_001324011.1); and 1 more; short protein forms T194I, T244I, T522I, T275I, T162I, T542I, T614I, T645I.
Identifiers: ClinVar variation 2786678 (VCV002786678.4), dbSNP rs748048489, ClinGen allele CA3432073.